The following is an entry in ClinVar:

NM_001128178.3(NPHP1):c.937G>T (p.Asp313Tyr)

Gene: NPHP1 (nephrocystin 1; minus strand). Cytogenetic location: 2q13.
Variant type: single nucleotide variant.
Coding change: c.937G>T on transcript NM_001128178.3 (MANE Select); coding-DNA position 937, G replaced by T.
Protein change: p.Asp313Tyr; replaces aspartic acid 313 with tyrosine.
Molecular consequence: missense variant.
Genome position (GRCh38, 1-based): chr2:110,161,620, C>A on the plus strand (G>T on the coding strand, the complement: NPHP1 is on the minus strand). VCF-style: chr2-110161620-C-A. GRCh37 (hg19) VCF-style: chr2-110919197-C-A.
Other names: c.1105G>T, p.Asp369Tyr (NM_000272.5); c.748G>T, p.Asp250Tyr (NM_001128179.3); c.934G>T, p.Asp312Tyr (NM_001374256.1); c.937G>T, p.Asp313Tyr (NM_001374257.1); c.1102G>T, p.Asp368Tyr (NM_207181.4); c.1105G>T (NM_000272.3); short protein forms D312Y, D250Y, D368Y, D369Y, D313Y.
Identifiers: ClinVar variation 2168524 (VCV002168524.5), dbSNP rs755503853, ClinGen allele CA1827171.

ClinVar aggregate classification (germline): Uncertain significance. Review status: criteria provided, multiple submitters, no conflicts (2 of 4 stars). 2 submissions from 2 submitters: Uncertain significance (2). Last evaluated 2026-09-15.

Conditions:
NPHP1-related disorder. Also called: NPHP1-related condition; NPHP1-related disorders.
Nephronophthisis. Also called: Juvenile Nephronophthisis. Identifiers: Orphanet 655, MedGen C0687120, MONDO:0019005, HP:0000090.

Allele frequency attached by ClinVar (database versions not stated): gnomAD exomes below 0.00001; ExAC 0.00001; gnomAD 0.00001; TOPMed 0.00001.
gnomAD v4.1: 5 of 1,609,360 alleles (0.00031%); highest among the groups gnomAD compares: Non-Finnish European, 0.00043%; no homozygotes.

Submissions (2):

PreventionGenetics, part of Exact Sciences
Classification: Uncertain significance for NPHP1-related condition. Last evaluated: 2026-09-15. Review status: criteria provided, single submitter. Criteria: ACMG Guidelines, 2015. Collection method: clinical testing. Allele origin: germline.
Comment: The NPHP1 c.1105G>T variant is predicted to result in the amino acid substitution p.Asp369Tyr. To our knowledge, this variant has not been reported in the literature. This variant is reported in 0.0050% of alleles in individuals of East Asian descent in gnomAD. At this time, the clinical significance of this variant is uncertain due to the absence of conclusive functional and genetic evidence.

Labcorp Genetics (formerly Invitae), Labcorp
Classification: Uncertain significance for Nephronophthisis. Last evaluated: 2022-08-09. Review status: criteria provided, single submitter. Criteria: Invitae Variant Classification Sherloc (09022015). Collection method: clinical testing. Allele origin: germline.
Comment: This variant has not been reported in the literature in individuals affected with NPHP1-related conditions. In summary, the available evidence is currently insufficient to determine the role of this variant in disease. Therefore, it has been classified as a Variant of Uncertain Significance. Algorithms developed to predict the effect of sequence changes on RNA splicing suggest that this variant may create or strengthen a splice site. Algorithms developed to predict the effect of missense changes on protein structure and function (SIFT, PolyPhen-2, Align-GVGD) all suggest that this variant is likely to be disruptive. This variant is present in population databases (rs755503853, gnomAD 0.005%). This sequence change replaces aspartic acid, which is acidic and polar, with tyrosine, which is neutral and polar, at codon 369 of the NPHP1 protein (p.Asp369Tyr).